The following is an entry in ClinVar:

ClinVar aggregate classification (germline): Uncertain significance (1 of 4 stars; one submission).

Conditions:
Alkuraya-Kucinskas syndrome. Identifiers: Orphanet 610569, MedGen C4693347, MONDO:0060631, OMIM 617822.

Allele frequency attached by ClinVar (database versions not stated): TOPMed 0.00002; ExAC 0.00002; gnomAD 0.00004; gnomAD exomes 0.00001.
gnomAD v4.1: 11 of 1,610,770 alleles (0.00068%); highest among the groups gnomAD compares: African/African-American, 0.0094%; no homozygotes.

Submission:

HudsonAlpha Institute for Biotechnology
Classification: Uncertain significance for Alkuraya-Kucinskas syndrome. Last evaluated: 2020-07-31. Review status: criteria provided, single submitter. Criteria: ACMG Guidelines, 2015. Collection method: research. Allele origin: paternal. Observed: 1 compound heterozygote. Study: CSER-SouthSeq.
Comment: ACMG codes:PM2, PP3, PP4

NM_001384125.1(BLTP1):c.11707C>T (p.His3903Tyr)

Gene: BLTP1 (bridge-like lipid transfer protein family member 1; plus strand). Cytogenetic location: 4q27.
Variant type: single nucleotide variant.
Coding change: c.11707C>T on transcript NM_001384125.1 (MANE Select); coding-DNA position 11707, C replaced by T.
Protein change: p.His3903Tyr; replaces histidine 3903 with tyrosine.
Molecular consequence: missense variant.
Genome position (GRCh38, 1-based): chr4:122,331,519, C>T. VCF-style: chr4-122331519-C-T. GRCh37 (hg19) VCF-style: chr4-123252674-C-T.
Other names: c.11443C>T, p.His3815Tyr (NM_015312.4); short protein forms H3815Y, H3903Y.
Identifiers: ClinVar variation 982422 (VCV000982422.1), dbSNP rs755836698, ClinGen allele CA3067810.